The following is an entry in ClinVar:

ClinVar aggregate classification (germline): Uncertain significance. Review status: criteria provided, multiple submitters, no conflicts (2 of 4 stars). 3 submissions from 3 submitters: Uncertain significance (3). Last evaluated 2025-02-07.

Allele frequency attached by ClinVar (database versions not stated): TOPMed 0.00006; gnomAD exomes 0.00007 and 0.00009; ESP Exome Variant Server 0.00008; ExAC 0.00009; gnomAD 0.00009; 1000 Genomes Project 30x 0.00016; 1000 Genomes Project 0.00020.
gnomAD v4.1: 141 of 1,601,988 alleles (0.0088%); highest among the groups gnomAD compares: Non-Finnish European, 0.011%; no homozygotes.

Submissions (3):

Ambry Genetics
Classification: Uncertain significance. Last evaluated: 2025-02-07. Review status: criteria provided, single submitter. Criteria: Ambry Variant Classification Scheme 2023. Collection method: clinical testing. Allele origin: germline.

Blueprint Genetics
Classification: Uncertain significance. Last evaluated: 2024-11-06. Review status: criteria provided, single submitter. Criteria: ACMG Guidelines, 2015. Collection method: clinical testing. Allele origin: germline.

Labcorp Genetics (formerly Invitae), Labcorp
Classification: Uncertain significance. Last evaluated: 2022-08-06. Review status: criteria provided, single submitter. Criteria: Invitae Variant Classification Sherloc (09022015). Collection method: clinical testing. Allele origin: germline.
Comment: This sequence change replaces arginine, which is basic and polar, with tryptophan, which is neutral and slightly polar, at codon 613 of the FCHO1 protein (p.Arg613Trp). This variant is present in population databases (rs144065747, gnomAD 0.01%). This variant has not been reported in the literature in individuals affected with FCHO1-related conditions. ClinVar contains an entry for this variant (Variation ID: 1383363). Algorithms developed to predict the effect of missense changes on protein structure and function are either unavailable or do not agree on the potential impact of this missense change (SIFT: "Deleterious"; PolyPhen-2: "Probably Damaging"; Align-GVGD: "Class C0"). In summary, the available evidence is currently insufficient to determine the role of this variant in disease. Therefore, it has been classified as a Variant of Uncertain Significance.

NM_015122.3(FCHO1):c.1837C>T (p.Arg613Trp)

Gene: FCHO1 (FCH and mu domain containing endocytic adaptor 1; plus strand). Cytogenetic location: 19p13.11.
Variant type: single nucleotide variant.
Coding change: c.1837C>T on transcript NM_015122.3 (MANE Select); coding-DNA position 1837, C replaced by T.
Protein change: p.Arg613Trp; replaces arginine 613 with tryptophan.
Molecular consequence: missense variant. On other transcripts: non-coding transcript variant (36).
Genome position (GRCh38, 1-based): chr19:17,781,720, C>T. VCF-style: chr19-17781720-C-T. GRCh37 (hg19) VCF-style: chr19-17892529-C-T.
Other names: c.1837C>T (NM_001161357.1); c.1837C>T, p.Arg613Trp (NM_001161357.2, NM_001161358.2, NM_001384370.1 and 13 more transcripts); c.1687C>T, p.Arg563Trp (NM_001161359.2, NM_001384384.1, NM_001384385.1 and 1 more transcripts); c.1798C>T, p.Arg600Trp (NM_001384388.1, NM_001384389.1, NM_001384405.1); c.1762C>T, p.Arg588Trp (NM_001384390.1); c.1720C>T, p.Arg574Trp (NM_001384392.1, NM_001384393.1, NM_001384394.1 and 1 more transcripts); c.1561C>T, p.Arg521Trp (NM_001384396.1, NM_001384397.1, NM_001384398.1 and 5 more transcripts); c.1516C>T, p.Arg506Trp (NM_001384403.1); and 2 more; short protein forms R423W, R506W, R521W, R613W, R471W, R574W, R563W, R600W.
Identifiers: ClinVar variation 1383363 (VCV001383363.8), dbSNP rs144065747, ClinGen allele CA9300661.